The following is an entry in ClinVar:

NC_000005.10:g.112707479C>G

Genes: APC (APC regulator of Wnt signaling pathway; plus strand), LOC129994371 (ATAC-STARR-seq lymphoblastoid active region 22910; plus strand). Cytogenetic location: 5q22.2.
Variant type: single nucleotide variant.
Genome position: GRCh38 VCF-style: chr5-112707479-C-G. GRCh37 (hg19) VCF-style: chr5-112043176-C-G.
Identifiers: ClinVar variation 1460962 (VCV001460962.6), dbSNP rs1236895567, ClinGen allele CA2573138769.

ClinVar aggregate classification (germline): Uncertain significance (1 of 4 stars; one submission).

Conditions:
Familial adenomatous polyposis 1 (FAP1). Also called: FAMILIAL ADENOMATOUS POLYPOSIS 1, ATTENUATED; POLYPOSIS, ADENOMATOUS INTESTINAL. Identifiers: MedGen C2713442, MONDO:0021056, OMIM 175100. Disease mechanism: loss of function.

Submission:

Labcorp Genetics (formerly Invitae), Labcorp
Classification: Uncertain significance for Familial adenomatous polyposis 1. Last evaluated: 2022-11-19. Review status: criteria provided, single submitter. Criteria: Invitae Variant Classification Sherloc (09022015). Collection method: clinical testing. Allele origin: germline.
Comment: In summary, the available evidence is currently insufficient to determine the role of this variant in disease. Therefore, it has been classified as a Variant of Uncertain Significance. Experimental studies and prediction algorithms are not available or were not evaluated, and the functional significance of this variant is currently unknown. This variant has not been reported in the literature in individuals affected with APC-related conditions. This variant is not present in population databases (gnomAD no frequency). This variant occurs in a non-coding region of the APC gene. It does not change the encoded amino acid sequence of the APC protein.